The following is an entry in ClinVar:

NM_000090.4(COL3A1):c.838G>A (p.Ala280Thr)

Gene: COL3A1 (collagen type III alpha 1 chain; plus strand). Cytogenetic location: 2q32.2.
Variant type: single nucleotide variant.
Coding change: c.838G>A on transcript NM_000090.4 (MANE Select); coding-DNA position 838, G replaced by A.
Protein change: p.Ala280Thr; replaces alanine 280 with threonine.
Molecular consequence: missense variant.
Genome position (GRCh38, 1-based): chr2:188,991,043, G>A. VCF-style: chr2-188991043-G-A. GRCh37 (hg19) VCF-style: chr2-189855769-G-A.
Other names: short protein forms A280T.
Identifiers: ClinVar variation 646622 (VCV000646622.19), dbSNP rs142042452, ClinGen allele CA076978.

ClinVar aggregate classification (germline): Conflicting classifications of pathogenicity. Review status: criteria provided, conflicting classifications (1 of 4 stars). 6 submissions from 6 submitters: Uncertain significance (5); Likely benign (1). Last evaluated 2025-12-21.

Conditions:
Familial thoracic aortic aneurysm and aortic dissection (TAAD). Also called: Thoracic aortic aneurysms and dissections. Identifiers: Orphanet 91387, MedGen C4707243, MONDO:0019625.
Ehlers-Danlos syndrome, type 4 (EDSVASC). Also called: Ehlers-Danlos syndrome vascular type; Ehlers Danlos syndrome, ecchymotic type; Ehlers Danlos syndrome, arterial type; Ehlers Danlos syndrome, Sack-Barabas type; Ehlers-Danlos Syndrome Type IV. Identifiers: Orphanet 286, MedGen C0268338, MONDO:0017314, OMIM 130050.
Polymicrogyria with or without vascular-type Ehlers-Danlos syndrome. Identifiers: Orphanet 636941, MedGen C5193040, MONDO:0032688, OMIM 618343.

Allele frequency attached by ClinVar (database versions not stated): gnomAD exomes 0.00001 and 0.00002; ExAC 0.00002; ESP Exome Variant Server 0.00008; TOPMed 0.00009; gnomAD 0.00010 and 0.00011.
gnomAD v4.1: 31 of 1,613,026 alleles (0.0019%); highest among the groups gnomAD compares: African/African-American, 0.035%; no homozygotes.

Submissions (6):

Ambry Genetics
Classification: Likely benign for Familial thoracic aortic aneurysm and aortic dissection. Last evaluated: 2025-12-21. Review status: criteria provided, single submitter. Criteria: Ambry Variant Classification Scheme 2023. Collection method: clinical testing. Allele origin: germline.

Labcorp Genetics (formerly Invitae), Labcorp
Classification: Uncertain significance for Ehlers-Danlos syndrome, type 4. Last evaluated: 2025-11-10. Review status: criteria provided, single submitter. Criteria: Invitae Variant Classification Sherloc (09022015). Collection method: clinical testing. Allele origin: germline.
Comment: This sequence change replaces alanine, which is neutral and non-polar, with threonine, which is neutral and polar, at codon 280 of the COL3A1 protein (p.Ala280Thr). This variant is present in population databases (rs142042452, gnomAD 0.04%). This variant has not been reported in the literature in individuals affected with COL3A1-related conditions. ClinVar contains an entry for this variant (Variation ID: 646622). Invitae Evidence Modeling of protein sequence and biophysical properties (such as structural, functional, and spatial information, amino acid conservation, physicochemical variation, residue mobility, and thermodynamic stability) indicates that this missense variant is not expected to disrupt COL3A1 protein function with a negative predictive value of 95%. In summary, the available evidence is currently insufficient to determine the role of this variant in disease. Therefore, it has been classified as a Variant of Uncertain Significance.

Dasa
Classification: Uncertain significance. Last evaluated: 2025-08-06. Review status: criteria provided, single submitter. Criteria: DASA Assertion Criteria. Collection method: clinical testing. Allele origin: germline.
Comment: NM_000090.4(COL3A1):c.838G>A (p.Ala280Thr) is a missense variant that results in the substitution of alanine with threonine. This variant is rare in population databases. The currently available literature and clinical evidence are not sufficient to establish a definitive association between this variant and the reported condition. Therefore, this variant is classified as a variant of uncertain significance.

All of Us Research Program, National Institutes of Health
Classification: Uncertain significance for Ehlers-Danlos syndrome, type 4. Last evaluated: 2024-04-25. Review status: criteria provided, single submitter. Criteria: ACMG Guidelines, 2015. Collection method: clinical testing. Allele origin: germline. Inheritance: Autosomal dominant inheritance. Observed: 11 variant alleles, 11 heterozygotes.
Comment: This missense variant replaces alanine with threonine at codon 280 of the COL3A1 protein. Computational prediction tools and conservation analyses are inconclusive regarding the impact of this variant on the protein function. Computational splicing tools suggest that this variant may not impact RNA splicing. To our knowledge, functional assays have not been performed for this variant nor has this variant been reported in individuals affected with cardiovascular disorders in the literature. This variant has been identified in 12/282470 chromosomes in the general population by the Genome Aggregation Database (gnomAD). Available evidence is insufficient to determine the role of this variant in disease conclusively. Therefore, this variant is classified as a Variant of Uncertain Significance.

This study involves interpretation of variants in research participants for the purpose of population health screening. Participant phenotype was not available at the time of variant classification. Additional details can be found in publication PMID: 35346344, PMCID: PMC8962531

Color Diagnostics, LLC DBA Color Health
Classification: Uncertain significance for Familial thoracic aortic aneurysm and aortic dissection. Last evaluated: 2024-03-06. Review status: criteria provided, single submitter. Criteria: ACMG Guidelines, 2015. Collection method: clinical testing. Allele origin: germline.
Comment: This missense variant replaces alanine with threonine at codon 280 of the COL3A1 protein. Computational prediction suggests that this variant may not impact protein structure and function (internally defined REVEL score threshold <= 0.5, PMID: 27666373). To our knowledge, functional studies have not been reported for this variant. This variant has not been reported in individuals affected with COL3A1-related disorders in the literature. This variant has been identified in 12/282470 chromosomes in the general population by the Genome Aggregation Database (gnomAD). The available evidence is insufficient to determine the role of this variant in disease conclusively. Therefore, this variant is classified as a Variant of Uncertain Significance.

Fulgent Genetics
Classification: Uncertain significance for Ehlers-Danlos syndrome, type 4; Polymicrogyria with or without vascular-type Ehlers-Danlos syndrome. Last evaluated: 2021-10-30. Review status: criteria provided, single submitter. Criteria: ACMG Guidelines, 2015. Collection method: clinical testing. Allele origin: unknown.